The following is an entry in ClinVar:

NM_007347.5(AP4E1):c.1461A>T (p.Leu487Phe)

Gene: AP4E1 (adaptor related protein complex 4 subunit epsilon 1; plus strand). Cytogenetic location: 15q21.2.
Variant type: single nucleotide variant.
Coding change: c.1461A>T on transcript NM_007347.5 (MANE Select); coding-DNA position 1461, A replaced by T.
Protein change: p.Leu487Phe; replaces leucine 487 with phenylalanine.
Molecular consequence: missense variant.
Genome position (GRCh38, 1-based): chr15:50,950,082, A>T. VCF-style: chr15-50950082-A-T. GRCh37 (hg19) VCF-style: chr15-51242279-A-T.
Other names: c.1236A>T, p.Leu412Phe (NM_001252127.2); c.1461A>T (NM_007347.3); short protein forms L412F, L487F.
Identifiers: ClinVar variation 1403556 (VCV001403556.10), dbSNP rs774800945, ClinGen allele CA7559091.

ClinVar aggregate classification (germline): Uncertain significance. Review status: criteria provided, multiple submitters, no conflicts (2 of 4 stars). 3 submissions from 3 submitters: Uncertain significance (3). Last evaluated 2025-11-11.

Conditions:
Inborn genetic diseases. Identifiers: MedGen C0950123, MeSH D030342.
Spastic paraplegia. Identifiers: MedGen C0037772, HP:0001258.

Allele frequency attached by ClinVar (database versions not stated): TOPMed below 0.00001; gnomAD 0.00002; gnomAD exomes 0.00007 and 0.00014; ExAC 0.00019.
gnomAD v4.1: 100 of 1,613,330 alleles (0.0062%); highest among the groups gnomAD compares: South Asian, 0.11%; 1 homozygote.

Submissions (3):

Ambry Genetics
Classification: Uncertain significance for Inborn genetic diseases. Last evaluated: 2025-11-11. Review status: criteria provided, single submitter. Criteria: Ambry Variant Classification Scheme 2023. Collection method: clinical testing. Allele origin: germline.

Blueprint Genetics
Classification: Uncertain significance. Last evaluated: 2024-09-23. Review status: criteria provided, single submitter. Criteria: ACMG Guidelines, 2015. Collection method: clinical testing. Allele origin: germline.

Labcorp Genetics (formerly Invitae), Labcorp
Classification: Uncertain significance for Spastic paraplegia. Last evaluated: 2021-03-17. Review status: criteria provided, single submitter. Criteria: Invitae Variant Classification Sherloc (09022015). Collection method: clinical testing. Allele origin: germline.
Comment: This variant has not been reported in the literature in individuals with AP4E1-related conditions. This sequence change replaces leucine with phenylalanine at codon 487 of the AP4E1 protein (p.Leu487Phe). The leucine residue is highly conserved and there is a small physicochemical difference between leucine and phenylalanine. This variant is present in population databases (rs774800945, ExAC 0.1%). Algorithms developed to predict the effect of missense changes on protein structure and function are either unavailable or do not agree on the potential impact of this missense change (SIFT: "Deleterious"; PolyPhen-2: "Probably Damaging"; Align-GVGD: "Class C0"). In summary, the available evidence is currently insufficient to determine the role of this variant in disease. Therefore, it has been classified as a Variant of Uncertain Significance.